The following is an entry in ClinVar:

ClinVar aggregate classification (germline): Pathogenic/Likely pathogenic. Review status: criteria provided, multiple submitters, no conflicts (2 of 4 stars). 7 submissions from 7 submitters: Pathogenic (5); Likely pathogenic (2). Last evaluated 2025-08-12.

Conditions:
Hereditary spherocytosis type 2. Also called: SPHEROCYTOSIS, TYPE 2, AUTOSOMAL DOMINANT. Identifiers: Orphanet 822, MedGen C2674219, MONDO:0000913, OMIM 616649.
SPTB-related disorder. Also called: SPTB-Related Disorders; SPTB-related condition.

gnomAD v4.1: 3 of 1,613,530 alleles (0.00019%); highest among the groups gnomAD compares: Non-Finnish European, 0.000085%; no homozygotes.

Submissions (7):

Labcorp Genetics (formerly Invitae), Labcorp
Classification: Pathogenic. Last evaluated: 2025-08-12. Review status: criteria provided, single submitter. Criteria: Invitae Variant Classification Sherloc (09022015). Collection method: clinical testing. Allele origin: germline.
Comment: This sequence change creates a premature translational stop signal (p.Arg1423*) in the SPTB gene. It is expected to result in an absent or disrupted protein product. Loss-of-function variants in SPTB are known to be pathogenic (PMID: 1391962, 1498324, 8844207, 26830532, 27292444). This variant is not present in population databases (gnomAD no frequency). This premature translational stop signal has been observed in individual(s) with hereditary spherocytosis (PMID: 31122244, 32436265). ClinVar contains an entry for this variant (Variation ID: 812019). For these reasons, this variant has been classified as Pathogenic.

Revvity Omics, Revvity
Classification: Pathogenic. Last evaluated: 2024-08-05. Review status: criteria provided, single submitter. Criteria: ACMG Guidelines, 2015. Collection method: clinical testing. Allele origin: germline.

Laboratory of Medical Genetics, National & Kapodistrian University of Athens
Classification: Pathogenic for Hereditary spherocytosis type 2. Last evaluated: 2024-02-08. Review status: criteria provided, single submitter. Criteria: ACMG Guidelines, 2015. Collection method: clinical testing. Allele origin: germline. Affected: yes.
Comment: PVS1, PS4, PM2, PP5 - The variant has been reported in ClinVar as Pathogenic by other laboratories (Variation ID 812019). It is expected to result in an absent or disrupted protein product.

Jiangsu Institute of Hematology, the First Affiliated Hospital of Soochow University
Classification: Pathogenic for Hereditary spherocytosis type 2. Last evaluated: 2022-03-01. Review status: criteria provided, single submitter. Criteria: ACMG Guidelines, 2015. Collection method: research. Allele origin: inherited. Affected: yes.

Department of Human Genetics, Hannover Medical School
Classification: Likely pathogenic for Hereditary spherocytosis type 2. Last evaluated: 2022-02-18. Review status: criteria provided, single submitter. Criteria: ACMG Guidelines, 2015. Collection method: clinical testing. Allele origin: germline. Inheritance: Autosomal dominant inheritance. Affected: yes.

ARUP Laboratories, Molecular Genetics and Genomics, ARUP Laboratories
Classification: Pathogenic. Last evaluated: 2019-05-23. Review status: criteria provided, single submitter. Criteria: ARUP Molecular Germline Variant Investigation Process. Collection method: clinical testing. Allele origin: germline.

Blueprint Genetics
Classification: Likely pathogenic for SPTB-related disorders. Last evaluated: 2018-07-06. Review status: criteria provided, single submitter. Criteria: ACMG Guidelines, 2015. Collection method: clinical testing. Allele origin: germline. Affected: yes. Observed: 1 variant allele.

Literature cited by the submitters: PubMed 1391962 (cited by Labcorp Genetics (formerly Invitae), Labcorp); PubMed 1498324 (cited by Labcorp Genetics (formerly Invitae), Labcorp); PubMed 8844207 (cited by Labcorp Genetics (formerly Invitae), Labcorp); PubMed 26830532 (cited by Labcorp Genetics (formerly Invitae), Labcorp); PubMed 27292444 (cited by Labcorp Genetics (formerly Invitae), Labcorp); PubMed 31122244 (cited by Labcorp Genetics (formerly Invitae), Labcorp); PubMed 32436265 (cited by Labcorp Genetics (formerly Invitae), Labcorp).

NM_001355436.2(SPTB):c.4267C>T (p.Arg1423Ter)

Gene: SPTB (spectrin beta, erythrocytic; minus strand). Cytogenetic location: 14q23.3.
Variant type: single nucleotide variant.
Coding change: c.4267C>T on transcript NM_001355436.2 (MANE Select); coding-DNA position 4267, C replaced by T.
Protein change: p.Arg1423Ter; replaces arginine 1423 with a stop codon.
Molecular consequence: nonsense.
Genome position (GRCh38, 1-based): chr14:64,779,931, G>A on the plus strand (C>T on the coding strand, the complement: SPTB is on the minus strand). VCF-style: chr14-64779931-G-A. GRCh37 (hg19) VCF-style: chr14-65246649-G-A.
Other names: c.4267C>T (NM_001024858.3); c.4267C>T, p.Arg1423Ter (NM_001024858.4, NM_001355437.2); short protein forms R1423*.
Identifiers: ClinVar variation 812019 (VCV000812019.43), dbSNP rs1594767593, ClinGen allele CA390044638.